The following is an entry in ClinVar:

ClinVar aggregate classification (germline): Likely pathogenic (1 of 4 stars; one submission).

Conditions:
Thrombophilia due to protein S deficiency, autosomal dominant (THPH5). Identifiers: Orphanet 26349, Orphanet 743, MedGen C3278211, MONDO:0012868, OMIM 612336. Disease mechanism: loss of function.

Submission:

3billion
Classification: Likely pathogenic for Thrombophilia due to protein S deficiency, autosomal dominant. Last evaluated: 2024-09-02. Review status: criteria provided, single submitter. Criteria: ACMG Guidelines, 2015. Collection method: clinical testing. Allele origin: germline. Affected: yes.
Comment: The variant is not observed in the gnomAD v4.0.0 dataset. Predicted Consequence/Location: Frameshift: predicted to result in a loss or disruption of normal protein function through nonsense-mediated decay (NMD) or protein truncation. Multiple pathogenic variants are reported downstream of the variant. Therefore, this variant is classified as Likely pathogenic according to the recommendation of ACMG/AMP guideline.

NM_000313.4(PROS1):c.1037dup (p.His346fs)

Gene: PROS1 (protein S; minus strand). Cytogenetic location: 3q11.1.
Variant type: Duplication.
Coding change: c.1037dup on transcript NM_000313.4 (MANE Select); coding-DNA position 1037, one base duplicated (A; older notation c.1037dupA).
Protein change: p.His346fs; shifts the reading frame from histidine 346.
Molecular consequence: frameshift variant.
Genome position (GRCh38, 1-based): chr3:93,893,051, T duplicated on the plus strand (A on the coding strand, the reverse complement: PROS1 is on the minus strand). VCF-style (leftmost placement, unchanged base first): chr3-93893050-G-GT. GRCh37 (hg19) VCF-style: chr3-93611894-G-GT.
Other names: c.1133dup, p.His378fs (NM_001314077.2); short protein forms H346fs, H378fs.
Identifiers: ClinVar variation 4293108 (VCV004293108.1).